The following is an entry in ClinVar:

ClinVar aggregate classification (germline): Uncertain significance. Review status: criteria provided, multiple submitters, no conflicts (2 of 4 stars). 3 submissions from 3 submitters: Uncertain significance (3). Last evaluated 2023-12-04.

Conditions:
Hearing impairment. Also called: Impaired Hearing. Identifiers: MedGen C1384666, MONDO:0005365, HP:0000365.

Allele frequency attached by ClinVar (database versions not stated): ExAC 0.00001; gnomAD exomes 0.00002; TOPMed 0.00004.
gnomAD v4.1: 36 of 1,614,108 alleles (0.0022%); highest among the groups gnomAD compares: Admixed American, 0.005%; no homozygotes.

Submissions (3):

GeneDx
Classification: Uncertain significance. Last evaluated: 2023-12-04. Review status: criteria provided, single submitter. Criteria: GeneDx Variant Classification Process June 2021. Collection method: clinical testing. Allele origin: germline. Affected: yes.
Comment: Not observed at significant frequency in large population cohorts (gnomAD); In silico analysis supports that this missense variant does not alter protein structure/function; Has not been previously published as pathogenic or benign to our knowledge

Cambridge Genomics Laboratory, East Genomic Laboratory Hub, NHS Genomic Medicine Service
Classification: Uncertain significance for Hearing impairment. Last evaluated: 2020-03-30. Review status: criteria provided, single submitter. Criteria: ACGS Best Practice Guidelines for Variant Classification in Rare Disease 2020. Collection method: clinical testing. Allele origin: germline. Affected: yes. Observed: 1 variant allele.

ARUP Laboratories, Molecular Genetics and Genomics, ARUP Laboratories
Classification: Uncertain significance. Last evaluated: 2017-12-22. Review status: criteria provided, single submitter. Criteria: ARUP Molecular Germline Variant Investigation Process. Collection method: clinical testing. Allele origin: germline.
Comment: The p.Arg467Cys variant (rs757720270) has not been reported in the medical literature, gene specific variation databases, nor has it been previously identified by our laboratory. This variant is listed in the Genome Aggregation Database (gnomAD) with an overall population frequency of 0.002 percent (identified on 5 out of 246,030 chromosomes). The arginine at position 467 is weakly conserved considering 11 species (Alamut v2.10) and computational analyses of the effects of the p.Arg467Cys variant on protein structure and function provide conflicting results (SIFT: tolerated, MutationTaster: polymorphism, PolyPhen-2: possibly damaging). Altogether, there is not enough evidence to classify the p.Arg467Cys variant with certainty.

NM_144672.4(OTOA):c.1399C>T (p.Arg467Cys)

Gene: OTOA (otoancorin). Cytogenetic location: 16p12.2.
Variant type: single nucleotide variant.
Coding change: c.1399C>T on transcript NM_144672.4 (MANE Select); coding-DNA position 1399, C replaced by T.
Protein change: p.Arg467Cys; replaces arginine 467 with cysteine.
Molecular consequence: missense variant.
Genome position (GRCh38, 1-based): chr16:21,715,063, C>T. VCF-style: chr16-21715063-C-T. GRCh37 (hg19) VCF-style: chr16-21726384-C-T.
Other names: c.1162C>T, p.Arg388Cys (NM_001161683.2); c.427C>T, p.Arg143Cys (NM_170664.3); short protein forms R467C, R143C, R388C.
Identifiers: ClinVar variation 618771 (VCV000618771.11), dbSNP rs757720270, ClinGen allele CA7952620.
Genomic context (GRCh38, chr16:21,715,063, plus strand): 5'-GTCAGCCAGATGGGCGCACTGCTGGCTGGGGTCAGCACCCAGGCCTTCTGCAGCATGAAA[C>T]GCAAGGACATCTCGCAGGTCCTGAGAAGTGCCGTCTCCCAGTATGTATCCGACTTGTCAC-3'
Protein context (NP_653273.3, residues 457-477): VSTQAFCSMK[Arg467Cys]KDISQVLRSA